The following is an entry in ClinVar:

NM_174936.4(PCSK9):c.1093G>C (p.Gly365Arg)

Gene: PCSK9 (proprotein convertase subtilisin/kexin type 9; plus strand). Cytogenetic location: 1p32.3.
Variant type: single nucleotide variant.
Coding change: c.1093G>C on transcript NM_174936.4 (MANE Select); coding-DNA position 1093, G replaced by C.
Protein change: p.Gly365Arg; replaces glycine 365 with arginine.
Molecular consequence: missense variant. On other transcripts: non-coding transcript variant (7).
Genome position (GRCh38, 1-based): chr1:55,057,427, G>C. VCF-style: chr1-55057427-G-C. GRCh37 (hg19) VCF-style: chr1-55523100-G-C.
Other names: c.1216G>C, p.Gly406Arg (NM_001407240.1); c.1093G>C, p.Gly365Arg (NM_001407241.1, NM_001407244.1, NM_001407247.1); c.1096G>C, p.Gly366Arg (NM_001407242.1); c.1036G>C, p.Gly346Arg (NM_001407243.1); c.901G>C, p.Gly301Arg (NM_001407245.1); c.718G>C, p.Gly240Arg (NM_001407246.1); short protein forms G240R, G301R, G346R, G365R, G366R, G406R.
Identifiers: ClinVar variation 4758816 (VCV004758816.1).

ClinVar aggregate classification (germline): Uncertain significance (1 of 4 stars; one submission).

Conditions:
Familial hypercholesterolemia. Also called: Familial hypercholesterolaemia. Identifiers: MedGen C0020445, MONDO:0005439.

Submission:

Color Diagnostics, LLC DBA Color Health
Classification: Uncertain significance for Familial hypercholesterolemia. Last evaluated: 2025-06-09. Review status: criteria provided, single submitter. Criteria: ACMG Guidelines, 2015. Collection method: clinical testing. Allele origin: germline.
Comment: This missense variant replaces glycine with arginine at codon 365 of the PCSK9 protein. Computational prediction suggests that this variant may have deleterious impact on protein structure and function. To our knowledge, functional studies have not been reported for this variant. This variant has not been reported in individuals affected with PCSK9-related disorders in the literature. This variant has not been identified in the general population by the Genome Aggregation Database (gnomAD). The available evidence is insufficient to determine the role of this variant in disease conclusively. Therefore, this variant is classified as a Variant of Uncertain Significance.